The following is an entry in ClinVar:

NM_016222.4(DDX41):c.1356del (p.Leu453fs)

Gene: DDX41 (DEAD-box helicase 41; minus strand). Cytogenetic location: 5q35.3.
Variant type: Deletion.
Coding change: c.1356del on transcript NM_016222.4 (MANE Select); coding-DNA position 1356, one base deleted (G; older notation c.1356delG).
Protein change: p.Leu453fs; shifts the reading frame from leucine 453.
Molecular consequence: frameshift variant.
Genome position (GRCh38, 1-based): chr5:177,512,823, C deleted on the plus strand (G on the coding strand, the reverse complement: DDX41 is on the minus strand). VCF-style (leftmost placement, unchanged base first): chr5-177512822-GC-G. GRCh37 (hg19) VCF-style: chr5-176939823-GC-G.
Other names: c.978del, p.Leu327fs (NM_001321732.2, NM_001321830.2); short protein forms L327fs, L453fs.
Identifiers: ClinVar variation 4841802 (VCV004841802.1).
Genomic context (GRCh38, chr5:177,512,822, plus strand): 5'-TGCTTGCACCACCCTGACCTTTGCCCCCATGGATGGCTACGGCCTCAACCCCCTTGAGCA[GC>G]AGGTACTCGTGGATGGCGTCCACGTCTGCCTTCTTCTCTGCAAAGATGAGTACCTGTCCG-3'

ClinVar aggregate classification (germline): Pathogenic (1 of 4 stars; one submission).

Conditions:
Inborn genetic diseases. Identifiers: MedGen C0950123, MeSH D030342.

Submission:

Ambry Genetics
Classification: Pathogenic for Inborn genetic diseases. Last evaluated: 2026-01-13. Review status: criteria provided, single submitter. Criteria: Ambry Variant Classification Scheme 2023. Collection method: clinical testing. Allele origin: germline.
Comment: The c.1356delG pathogenic mutation, located in coding exon 13 of the DDX41 gene, results from a deletion of one nucleotide at nucleotide position 1356, causing a translational frameshift with a predicted alternate stop codon (p.L453Cfs*8). This variant is considered to be rare based on population cohorts in the Genome Aggregation Database (gnomAD). This alteration is expected to result in loss of function by premature protein truncation or nonsense-mediated mRNA decay. As such, this alteration is interpreted as a disease-causing mutation.